The following is an entry in ClinVar:

ClinVar aggregate classification (germline): Likely benign (1 of 4 stars; one submission).

Allele frequency attached by ClinVar (database versions not stated): TOPMed below 0.00001.

Submission:

CeGaT Center for Human Genetics Tuebingen
Classification: Likely benign. Last evaluated: 2022-09-01. Review status: criteria provided, single submitter. Criteria: CeGaT Center For Human Genetics Tuebingen Variant Classification Criteria Version 2. Collection method: clinical testing. Allele origin: germline. Affected: yes. Observed: 1 variant allele.
Comment: CDK13: PM2:Supporting, BP4, BP7

NM_003718.5(CDK13):c.396C>G (p.Gly132=)

Genes: CDK13 (cyclin dependent kinase 13; plus strand), LOC129998292 (ATAC-STARR-seq lymphoblastoid silent region 18115; plus strand). Cytogenetic location: 7p14.1.
Variant type: single nucleotide variant.
Coding change: c.396C>G on transcript NM_003718.5 (MANE Select); coding-DNA position 396, C replaced by G.
Protein change: p.Gly132=; no amino-acid change (glycine 132 retained).
Molecular consequence: synonymous variant.
Genome position (GRCh38, 1-based): chr7:39,951,037, C>G. VCF-style: chr7-39951037-C-G. GRCh37 (hg19) VCF-style: chr7-39990636-C-G.
Other names: c.396C>G, p.Gly132= (NM_031267.4).
Identifiers: ClinVar variation 2657397 (VCV002657397.24), dbSNP rs1562691800, ClinGen allele CA454873268.